The following is an entry in ClinVar:

NM_004618.5(TOP3A):c.820C>G (p.His274Asp)

Gene: TOP3A (DNA topoisomerase III alpha; minus strand). Cytogenetic location: 17p11.2.
Variant type: single nucleotide variant.
Coding change: c.820C>G on transcript NM_004618.5 (MANE Select); coding-DNA position 820, C replaced by G.
Protein change: p.His274Asp; replaces histidine 274 with aspartic acid.
Molecular consequence: missense variant.
Genome position (GRCh38, 1-based): chr17:18,301,980, G>C on the plus strand (C>G on the coding strand, the complement: TOP3A is on the minus strand). VCF-style: chr17-18301980-G-C. GRCh37 (hg19) VCF-style: chr17-18205294-G-C.
Other names: c.535C>G, p.His179Asp (NM_001320759.2); short protein forms H179D, H274D.
Identifiers: ClinVar variation 2108025 (VCV002108025.1), dbSNP rs1242031381, ClinGen allele CA398637580.
Genomic context (GRCh38, chr17:18,301,980, plus strand): 5'-TGTGGTTAAAGAGTCGATGCCTTTTCCAGTTGAATTCTACGATACCATCTTTGTGGTCAT[G>C]AGTTACTATATTAAGGAGAGACAAACAGAAAGGCTGTGTCTCAGAGACATGTCATGATAT-3'
Protein context (NP_004609.1, residues 264-284): PEIFHRIKVT[His274Asp]DHKDGIVEFN

ClinVar aggregate classification (germline): Uncertain significance (1 of 4 stars; one submission).

Submission:

Labcorp Genetics (formerly Invitae), Labcorp
Classification: Uncertain significance. Last evaluated: 2022-03-24. Review status: criteria provided, single submitter. Criteria: Invitae Variant Classification Sherloc (09022015). Collection method: clinical testing. Allele origin: germline.
Comment: This sequence change replaces histidine, which is basic and polar, with aspartic acid, which is acidic and polar, at codon 274 of the TOP3A protein (p.His274Asp). This variant is not present in population databases (gnomAD no frequency). This variant has not been reported in the literature in individuals affected with TOP3A-related conditions. Algorithms developed to predict the effect of missense changes on protein structure and function are either unavailable or do not agree on the potential impact of this missense change (SIFT: "Not Available"; PolyPhen-2: "Benign"; Align-GVGD: "Not Available"). In summary, the available evidence is currently insufficient to determine the role of this variant in disease. Therefore, it has been classified as a Variant of Uncertain Significance.